The following is an entry in ClinVar:

ClinVar aggregate classification (germline): Likely pathogenic (1 of 4 stars; one submission).

Submission:

Labcorp Genetics (formerly Invitae), Labcorp
Classification: Likely pathogenic. Last evaluated: 2024-12-19. Review status: criteria provided, single submitter. Criteria: Invitae Variant Classification Sherloc (09022015). Collection method: clinical testing. Allele origin: germline.
Comment: This sequence change affects an acceptor splice site in intron 35 of the TRPM6 gene. It is expected to disrupt RNA splicing. Variants that disrupt the donor or acceptor splice site typically lead to a loss of protein function (PMID: 16199547), and loss-of-function variants in TRPM6 are known to be pathogenic (PMID: 16107578). This variant is not present in population databases (gnomAD no frequency). This variant has not been reported in the literature in individuals affected with TRPM6-related conditions. Algorithms developed to predict the effect of sequence changes on RNA splicing suggest that this variant may disrupt the consensus splice site. In summary, the currently available evidence indicates that the variant is pathogenic, but additional data are needed to prove that conclusively. Therefore, this variant has been classified as Likely Pathogenic.

Literature cited by the submitters: PubMed 16199547; PubMed 16107578.

NM_017662.5(TRPM6):c.5571-1G>A

Gene: TRPM6 (transient receptor potential cation channel subfamily M member 6; minus strand). Cytogenetic location: 9q21.13.
Variant type: single nucleotide variant.
Coding change: c.5571-1G>A on transcript NM_017662.5 (MANE Select); the canonical splice acceptor site of the intron before coding-DNA position 5571, G replaced by A.
Molecular consequence: splice acceptor variant.
Genome position (GRCh38, 1-based): chr9:74,738,613, C>T on the plus strand (G>A on the coding strand, the complement: TRPM6 is on the minus strand). VCF-style: chr9-74738613-C-T. GRCh37 (hg19) VCF-style: chr9-77353529-C-T.
Other names: c.5556-1G>A (NM_001177310.2, NM_001177311.2).
Identifiers: ClinVar variation 3691795 (VCV003691795.2).
Genomic context (GRCh38, chr9:74,738,613, plus strand): 5'-TTCTCAATGGTCAACCACTGGTTGGCTGAATGGCAGTAGATTAAGAAAACTTCCAGGAAC[C>T]TGTTAGGGAAAAAGAGGCCATTGATCCCCCACAATACAGCAAAAGTGGGACTTACCTTAC-3'